The following is an entry in ClinVar:

ClinVar aggregate classification (germline): Likely benign. Review status: criteria provided, multiple submitters, no conflicts (2 of 4 stars). 3 submissions from 3 submitters: Likely benign (3). Last evaluated 2025-05-01.

Allele frequency attached by ClinVar (database versions not stated): 1000 Genomes Project 0.00020; gnomAD 0.00082 and 0.00085; ExAC 0.00095; TOPMed 0.00099; gnomAD exomes 0.00119; ESP Exome Variant Server 0.00123.
gnomAD v4.1: 1,876 of 1,596,400 alleles (0.12%); highest among the groups gnomAD compares: Middle Eastern, 0.25%; 1 homozygote.

Submissions (3):

CeGaT Center for Human Genetics Tuebingen
Classification: Likely benign. Last evaluated: 2025-05-01. Review status: criteria provided, single submitter. Criteria: CeGaT Center For Human Genetics Tuebingen Variant Classification Criteria Version 2. Collection method: clinical testing. Allele origin: germline. Affected: yes. Observed: 1 variant allele.
Comment: EPX: BP4

Labcorp Genetics (formerly Invitae), Labcorp
Classification: Likely benign. Last evaluated: 2019-12-31. Review status: criteria provided, single submitter. Criteria: Invitae Variant Classification Sherloc (09022015). Collection method: clinical testing. Allele origin: germline.

Breakthrough Genomics
Classification: Likely benign. Review status: criteria provided, single submitter. Criteria: ACMG Guidelines, 2015. Collection method: not provided. Allele origin: germline. Inheritance: Autosomal recessive inheritance. Affected: yes.

NM_000502.6(EPX):c.170+5A>G

Gene: EPX (eosinophil peroxidase; plus strand). Cytogenetic location: 17q22.
Variant type: single nucleotide variant.
Coding change: c.170+5A>G on transcript NM_000502.6 (MANE Select); 5 bases into the intron after coding-DNA position 170, A replaced by G.
Molecular consequence: intron variant.
Genome position (GRCh38, 1-based): chr17:58,193,136, A>G. VCF-style: chr17-58193136-A-G. GRCh37 (hg19) VCF-style: chr17-56270497-A-G.
Identifiers: ClinVar variation 727637 (VCV000727637.15), dbSNP rs200112800, ClinGen allele CA8668298.